The following is an entry in ClinVar:

ClinVar aggregate classification (germline): Uncertain significance (1 of 4 stars; one submission).

Conditions:
Arrhythmogenic right ventricular dysplasia 10. Also called: Arrhythmogenic Right Ventricular Dysplasia/Cardiomyopathy10; ARRHYTHMOGENIC RIGHT VENTRICULAR DYSPLASIA, FAMILIAL, 10; Arrhythmogenic right ventricular dysplasia/cardiomyopathy, type 10. Identifiers: MedGen C1857777, MONDO:0012434, OMIM 610193.

Submission:

Labcorp Genetics (formerly Invitae), Labcorp
Classification: Uncertain significance for Arrhythmogenic right ventricular dysplasia 10. Last evaluated: 2022-05-19. Review status: criteria provided, single submitter. Criteria: Invitae Variant Classification Sherloc (09022015). Collection method: clinical testing. Allele origin: germline.
Comment: In summary, the available evidence is currently insufficient to determine the role of this variant in disease. Therefore, it has been classified as a Variant of Uncertain Significance. Algorithms developed to predict the effect of missense changes on protein structure and function output the following: SIFT: "Tolerated"; PolyPhen-2: "Benign"; Align-GVGD: "Class C0". The aspartic acid amino acid residue is found in multiple mammalian species, which suggests that this missense change does not adversely affect protein function. This variant has not been reported in the literature in individuals affected with DSG2-related conditions. This variant is not present in population databases (gnomAD no frequency). This sequence change replaces glycine, which is neutral and non-polar, with aspartic acid, which is acidic and polar, at codon 885 of the DSG2 protein (p.Gly885Asp).

NM_001943.5(DSG2):c.2654G>A (p.Gly885Asp)

Genes: DSG2 (desmoglein 2; plus strand), DSG2-AS1 (DSG2 antisense RNA 1; minus strand). Cytogenetic location: 18q12.1.
Variant type: single nucleotide variant.
Coding change: c.2654G>A on transcript NM_001943.5 (MANE Select); coding-DNA position 2654, G replaced by A.
Protein change: p.Gly885Asp; replaces glycine 885 with aspartic acid.
Molecular consequence: missense variant.
Genome position (GRCh38, 1-based): chr18:31,546,040, G>A. VCF-style: chr18-31546040-G-A. GRCh37 (hg19) VCF-style: chr18-29126003-G-A.
Other names: short protein forms G885D.
Identifiers: ClinVar variation 1996543 (VCV001996543.4), dbSNP rs878873107, ClinGen allele CA402145922.